The following is an entry in ClinVar:

NM_000051.4(ATM):c.6656T>G (p.Phe2219Cys)

Genes: ATM (ATM serine/threonine kinase; plus strand), C11orf65 (chromosome 11 open reading frame 65; minus strand). Cytogenetic location: 11q22.3.
Variant type: single nucleotide variant.
Coding change: c.6656T>G on transcript NM_000051.4 (MANE Select); coding-DNA position 6656, T replaced by G.
Protein change: p.Phe2219Cys; replaces phenylalanine 2219 with cysteine.
Molecular consequence: missense variant. On other transcripts: intron variant (2).
Genome position (GRCh38, 1-based): chr11:108,325,393, T>G. VCF-style: chr11-108325393-T-G. GRCh37 (hg19) VCF-style: chr11-108196120-T-G.
Other names: c.6656T>G, p.Phe2219Cys (NM_001351834.2); c.641-16322A>C (NM_001330368.2); c.*38+9827A>C (NM_001351110.2); short protein forms F2219C.
Identifiers: ClinVar variation 1754713 (VCV001754713.2), dbSNP rs1244168959, ClinGen allele CA382554834.

ClinVar aggregate classification (germline): Uncertain significance (1 of 4 stars; one submission).

Conditions:
Hereditary cancer-predisposing syndrome. Also called: Hereditary neoplastic syndrome; Neoplastic Syndromes, Hereditary; Tumor predisposition; Hereditary Cancer Syndrome. Identifiers: Orphanet 140162, MedGen C0027672, MeSH D009386, MONDO:0015356.

Submission:

Ambry Genetics
Classification: Uncertain significance for Hereditary cancer-predisposing syndrome. Last evaluated: 2020-03-25. Review status: criteria provided, single submitter. Criteria: Ambry Variant Classification Scheme 2023. Collection method: clinical testing. Allele origin: germline.
Comment: The p.F2219C variant (also known as c.6656T>G), located in coding exon 45 of the ATM gene, results from a T to G substitution at nucleotide position 6656. The phenylalanine at codon 2219 is replaced by cysteine, an amino acid with highly dissimilar properties. This amino acid position is well conserved in available vertebrate species. In addition, the in silico prediction for this alteration is inconclusive. Since supporting evidence is limited at this time, the clinical significance of this alteration remains unclear.